The following is an entry in ClinVar:

ClinVar aggregate classification (germline): Conflicting classifications of pathogenicity. Review status: criteria provided, conflicting classifications (1 of 4 stars). 3 submissions from 3 submitters: Uncertain significance (2); Likely benign (1). Last evaluated 2025-08-31.

Conditions:
Inborn genetic diseases. Identifiers: MedGen C0950123, MeSH D030342.
Early-infantile DEE. Also called: Early infantile epileptic encephalopathy; Ohtahara syndrome; Early infantile epileptic encephalopathy with suppression bursts. Identifiers: Orphanet 1934, MedGen C0393706, MONDO:0800491.

Allele frequency attached by ClinVar (database versions not stated): gnomAD 0.00001; ExAC 0.00002; gnomAD exomes 0.00002; TOPMed 0.00002; ESP Exome Variant Server 0.00008.
gnomAD v4.1: 31 of 1,612,880 alleles (0.0019%); highest among the groups gnomAD compares: African/African-American, 0.0027%; no homozygotes.

Submissions (3):

Ambry Genetics
Classification: Uncertain significance for Inborn genetic diseases. Last evaluated: 2025-08-31. Review status: criteria provided, single submitter. Criteria: Ambry Variant Classification Scheme 2023. Collection method: clinical testing. Allele origin: germline.

Labcorp Genetics (formerly Invitae), Labcorp
Classification: Likely benign for Early-infantile DEE. Last evaluated: 2025-07-28. Review status: criteria provided, single submitter. Criteria: Invitae Variant Classification Sherloc (09022015). Collection method: clinical testing. Allele origin: germline.

Women's Health and Genetics/Laboratory Corporation of America, LabCorp
Classification: Uncertain significance. Last evaluated: 2016-08-12. Review status: criteria provided, single submitter. Criteria: LabCorp Variant Classification Summary - May 2015. Collection method: clinical testing. Allele origin: germline.
Comment: Variant summary: The SCN1A c.3502G>A (p.Val1168Ile) variant involves the alteration of a conserved nucleotide. 5/5 in silico tools predict a benign outcome for this variant . This variant was found in 3/121350 control chromosomes at a frequency of 0.0000247, which is approximately 1.4 times the estimated maximal expected allele frequency of a pathogenic SCN1A variant (0.0000179), suggesting this variant is likely a benign polymorphism. However, due to the small number of carriers in this cohort, this information is not strong enough to classify this variant as benign. The variant of interest has not, to our knowledge, been reported in affected individuals via publications and/or reputable databases/clinical diagnostic laboratories; nor evaluated for functional impact by in vivo/vitro studies. Taken together, this variant is classified as a VUS- possibly benign variant.

NM_001165963.4(SCN1A):c.3502G>A (p.Val1168Ile)

Genes: SCN1A (sodium voltage-gated channel alpha subunit 1; minus strand), LOC102724058 (uncharacterized LOC102724058; plus strand). Cytogenetic location: 2q24.3.
Variant type: single nucleotide variant.
Coding change: c.3502G>A on transcript NM_001165963.4 (MANE Select); coding-DNA position 3502, G replaced by A.
Protein change: p.Val1168Ile; replaces valine 1168 with isoleucine.
Molecular consequence: missense variant. On other transcripts: non-coding transcript variant (2).
Genome position (GRCh38, 1-based): chr2:166,015,655, C>T on the plus strand (G>A on the coding strand, the complement: SCN1A is on the minus strand). VCF-style: chr2-166015655-C-T. GRCh37 (hg19) VCF-style: chr2-166872165-C-T.
Other names: c.3418G>A, p.Val1140Ile (NM_001165964.3, NM_001353957.2, NM_001353958.2); c.3502G>A, p.Val1168Ile (NM_001202435.3, NM_001353948.2); c.3469G>A, p.Val1157Ile (NM_001353949.2, NM_001353950.2, NM_001353951.2 and 2 more transcripts); c.3466G>A, p.Val1156Ile (NM_001353954.2, NM_001353955.2); c.3415G>A, p.Val1139Ile (NM_001353960.2); c.1060G>A, p.Val354Ile (NM_001353961.2); short protein forms V1157I, V1168I, V1140I, V1156I, V354I, V1139I.
Identifiers: ClinVar variation 496119 (VCV000496119.6), dbSNP rs146374754, ClinGen allele CA1942940.